The following is an entry in ClinVar:

ClinVar aggregate classification (germline): Benign. Review status: criteria provided, multiple submitters, no conflicts (2 of 4 stars). 2 submissions from 2 submitters: Benign (2). Last evaluated 2018-06-14.

Allele frequency attached by ClinVar (database versions not stated): 1000 Genomes Project 0.01325; 1000 Genomes Project 30x 0.01332; TOPMed 0.02504; gnomAD 0.03236 and 0.03291.
gnomAD v4.1: 32,320 of 824,943 alleles (3.9%); highest among the groups gnomAD compares: Non-Finnish European, 4.3%; 617 homozygotes.

Submissions (2):

GeneDx
Classification: Benign. Last evaluated: 2018-06-14. Review status: criteria provided, single submitter. Criteria: GeneDx Variant Classification (06012015). Collection method: clinical testing. Allele origin: germline. Affected: yes.
Comment: This variant is considered likely benign or benign based on one or more of the following criteria: it is a conservative change, it occurs at a poorly conserved position in the protein, it is predicted to be benign by multiple in silico algorithms, and/or has population frequency not consistent with disease.

Breakthrough Genomics
Classification: Benign. Review status: criteria provided, single submitter. Criteria: ACMG Guidelines, 2015. Collection method: not provided. Allele origin: germline. Inheritance: X-linked inheritance. Affected: yes.

NM_080632.3(UPF3B):c.370+63C>T

Gene: UPF3B (UPF3B regulator of nonsense mediated mRNA decay; minus strand). Cytogenetic location: Xq24.
Variant type: single nucleotide variant.
Coding change: c.370+63C>T on transcript NM_080632.3 (MANE Select); 63 bases into the intron after coding-DNA position 370, C replaced by T.
Molecular consequence: intron variant.
Genome position (GRCh38, 1-based): chrX:119,851,432, G>A on the plus strand (C>T on the coding strand, the complement: UPF3B is on the minus strand). VCF-style: chrX-119851432-G-A. GRCh37 (hg19) VCF-style: chrX-118985395-G-A.
Other names: c.370+63C>T (NM_023010.4).
Identifiers: ClinVar variation 675717 (VCV000675717.2), dbSNP rs17327123, ClinGen allele CA334131190.